The following is an entry in ClinVar:

NM_022114.4(PRDM16):c.2115C>T (p.Gly705=)

Gene: PRDM16 (PR/SET domain 16; plus strand). Cytogenetic location: 1p36.32.
Variant type: single nucleotide variant.
Coding change: c.2115C>T on transcript NM_022114.4 (MANE Select); coding-DNA position 2115, C replaced by T.
Protein change: p.Gly705=; no amino-acid change (glycine 705 retained).
Molecular consequence: synonymous variant.
Genome position (GRCh38, 1-based): chr1:3,412,312, C>T. VCF-style: chr1-3412312-C-T. GRCh37 (hg19) VCF-style: chr1-3328876-C-T.
Other names: c.2115C>T, p.Gly705= (NM_199454.3).
Identifiers: ClinVar variation 4085636 (VCV004085636.8).
Genomic context (GRCh38, chr1:3,412,312, plus strand): 5'-AACGGGCGCCGCCGGGGACTCCATCAAGGCCATCGCATCCATTGCCGAGAAGTACTTTGG[C>T]CCCGGCTTCATGGGGATGCAGGAGAAGAAGCTGGGCTCGCTCCCCTACCACTCGGCGTTC-3'
Protein context (NP_071397.3, residues 695-715): AIASIAEKYF[Gly705=]PGFMGMQEKK

ClinVar aggregate classification (germline): Likely benign (1 of 4 stars; one submission).

gnomAD v4.1: 2 of 1,613,658 alleles (0.00012%); highest among the groups gnomAD compares: Non-Finnish European, 0.00017%; no homozygotes.

Submission:

CeGaT Center for Human Genetics Tuebingen
Classification: Likely benign. Last evaluated: 2025-07-01. Review status: criteria provided, single submitter. Criteria: CeGaT Center For Human Genetics Tuebingen Variant Classification Criteria Version 2. Collection method: clinical testing. Allele origin: germline. Affected: yes. Observed: 1 variant allele.
Comment: PRDM16: BP4, BP7